The following is an entry in ClinVar:

NM_007255.3(B4GALT7):c.881_882insTGAGGTGGATTAAACCAAACCCAGCTACGCAAAATCTTAGT (p.Val294_Ala295insGluValAspTer)

Gene: B4GALT7 (beta-1,4-galactosyltransferase 7; plus strand). Cytogenetic location: 5q35.3.
Variant type: Insertion.
Coding change: c.881_882insTGAGGTGGATTAAACCAAACCCAGCTACGCAAAATCTTAGT on transcript NM_007255.3 (MANE Select); coding-DNA positions 881 to 882, TGAGGTGGATTAAACCAAACCCAGCTACGCAAAATCTTAGT inserted.
Protein change: p.Val294_Ala295insGluValAspTer.
Molecular consequence: nonsense, inframe insertion.
Genome position: GRCh38: chr5:177,609,592-177,609,593. GRCh37 (hg19): chr5:177,036,593-177,036,594.
Identifiers: ClinVar variation 1496502 (VCV001496502.8), dbSNP rs2127514559, ClinGen allele CA2573139481.

ClinVar aggregate classification (germline): Uncertain significance (1 of 4 stars; one submission).

Conditions:
Spondylodysplastic Ehlers-Danlos syndrome. Identifiers: Orphanet 536471, Orphanet 75496, MedGen C5680154, MONDO:0007526.

Submission:

Labcorp Genetics (formerly Invitae), Labcorp
Classification: Uncertain significance for Spondylodysplastic Ehlers-Danlos syndrome. Last evaluated: 2023-05-08. Review status: criteria provided, single submitter. Criteria: Invitae Variant Classification Sherloc (09022015). Collection method: clinical testing. Allele origin: germline.
Comment: In summary, the available evidence is currently insufficient to determine the role of this variant in disease. Therefore, it has been classified as a Variant of Uncertain Significance. ClinVar contains an entry for this variant (Variation ID: 1496502). This variant has not been reported in the literature in individuals affected with B4GALT7-related conditions. This variant is not present in population databases (gnomAD no frequency). This sequence change creates a premature translational stop signal (p.Ala295Glufs*4) in the B4GALT7 gene. While this is not anticipated to result in nonsense mediated decay, it is expected to disrupt the last 33 amino acid(s) of the B4GALT7 protein.